The following is an entry in ClinVar:

ClinVar aggregate classification (germline): Likely benign. Review status: criteria provided, multiple submitters, no conflicts (2 of 4 stars). 2 submissions from 2 submitters: Likely benign (2). Last evaluated 2025-03-09.

Conditions:
Spastic paraplegia. Identifiers: MedGen C0037772, HP:0001258.

Allele frequency attached by ClinVar (database versions not stated): gnomAD 0.00001; TOPMed 0.00003.
gnomAD v4.1: 25 of 1,611,088 alleles (0.0016%); highest among the groups gnomAD compares: Admixed American, 0.015%; no homozygotes.

Submissions (2):

Labcorp Genetics (formerly Invitae), Labcorp
Classification: Likely benign for Spastic paraplegia. Last evaluated: 2025-03-09. Review status: criteria provided, single submitter. Criteria: Invitae Variant Classification Sherloc (09022015). Collection method: clinical testing. Allele origin: germline.

GeneDx
Classification: Likely benign. Last evaluated: 2018-05-10. Review status: criteria provided, single submitter. Criteria: GeneDx Variant Classification (06012015). Collection method: clinical testing. Allele origin: germline. Affected: yes.
Comment: This variant is considered likely benign or benign based on one or more of the following criteria: it is a conservative change, it occurs at a poorly conserved position in the protein, it is predicted to be benign by multiple in silico algorithms, and/or has population frequency not consistent with disease.

NM_004984.4(KIF5A):c.291+15T>C

Gene: KIF5A (kinesin family member 5A; plus strand). Cytogenetic location: 12q13.3.
Variant type: single nucleotide variant.
Coding change: c.291+15T>C on transcript NM_004984.4 (MANE Select); 15 bases into the intron after coding-DNA position 291, T replaced by C.
Molecular consequence: intron variant.
Genome position (GRCh38, 1-based): chr12:57,563,708, T>C. VCF-style: chr12-57563708-T-C. GRCh37 (hg19) VCF-style: chr12-57957491-T-C.
Other names: c.130-752T>C (NM_001354705.2).
Identifiers: ClinVar variation 668377 (VCV000668377.8), dbSNP rs764730335, ClinGen allele CA6652546.
Genomic context (GRCh38, chr12:57,563,708, plus strand): 5'-TTTTGCTTATGGACAGACATCCTCAGGGAAAACACATACCATGGAGGTGAGGGTTCTGGC[T>C]TTGGTGGTTGAGGGGCTAGGAGTGTTAATGGAAGATCAGGGAATCTCAGTGGGGGAAGGT-3'